The following is an entry in ClinVar:

ClinVar aggregate classification (germline): Likely pathogenic (1 of 4 stars; one submission).

Conditions:
Leukoencephalopathy with brain stem and spinal cord involvement-high lactate syndrome (LBSL). Also called: Leukoencephalopathy with Brainstem and Spinal Cord Involvement and Lactate Elevation; MITOCHONDRIAL ASPARTYL-tRNA SYNTHETASE DEFICIENCY; LEUKOENCEPHALOPATHY WITH BRAINSTEM AND SPINAL CORD INVOLVEMENT AND LACTATE ELEVATION, MILD. Identifiers: Orphanet 137898, MedGen C1970180, MONDO:0012622, OMIM 611105.

gnomAD v4.1: 55 of 1,379,654 alleles (0.004%); highest among the groups gnomAD compares: Non-Finnish European, 0.0047%; no homozygotes.

Submission:

Broad Center for Mendelian Genomics, Broad Institute of MIT and Harvard
Classification: Likely pathogenic for Leukoencephalopathy with brain stem and spinal cord involvement-high lactate syndrome. Last evaluated: 2025-01-16. Review status: criteria provided, single submitter. Criteria: ACMG Guidelines, 2015. Collection method: curation. Allele origin: germline. Inheritance: Autosomal recessive inheritance.
Comment: The c.228-11C>G variant in DARS2 has been reported in 2 individuals with leukoencephalopathy with brain stem and spinal cord involvement-high lactate syndrome (PMID: 17384640, 23589646), and has been identified in 0.005% (47/994494) of European (non-Finnish) chromosomes by the Genome Aggregation Database (gnomAD; dbSNP rs368644758). Although this variant has been seen in the general population in a heterozygous state, its frequency is low enough to be consistent with a recessive carrier frequency. Of the 2 affected individuals, both were compound heterozygotes that carried a reported likely pathogenic variant with unknown phase, which increases the likelihood that the c.228-11C>G variant is pathogenic (Variation ID: 1064; PMID: 17384640, 23589646). cDNA analysis performed shows that the c.228-11C>G variant is predicted to lead to exon 3 skipping, and is predicted to result in nonsense mediated decay (NMD) and an absent or truncated protein (PMID: 17384640). However these types of assays may not accurately represent biological function. Variants that occur in this intron 2 splice region are known to be leaky, which may explain some variability in phenotype (PMID: 24566671). This intron 2 region of DARS2 is an established mutational hotspot and most individuals with LBSL have variants in this region (PMID: 24566671). In summary, although additional studies are required to fully establish its clinical significance, this variant is likely pathogenic for autosomal recessive leukoencephalopathy with brain stem and spinal cord involvement-high lactate syndrome. ACMG/AMP Criteria applied: PVS1_strong, PM1_supporting, PM2_supporting, PM3_supporting (Richards 2015).

NM_018122.5(DARS2):c.228-11C>G

Gene: DARS2 (aspartyl-tRNA synthetase 2, mitochondrial; plus strand). Cytogenetic location: 1q25.1.
Variant type: single nucleotide variant.
Coding change: c.228-11C>G on transcript NM_018122.5 (MANE Select); 11 bases into the intron before coding-DNA position 228, C replaced by G.
Molecular consequence: intron variant.
Genome position (GRCh38, 1-based): chr1:173,828,322, C>G. VCF-style: chr1-173828322-C-G. GRCh37 (hg19) VCF-style: chr1-173797460-C-G.
Other names: NM_001365213.2:c.228-11C>G; c.228-11C>G (NM_001365212.1, NM_001365213.2).
Identifiers: ClinVar variation 3776807 (VCV003776807.1).